The following is an entry in ClinVar:

NC_000011.9:g.(?_47353422)_(47356780_?)del

Gene: MYBPC3 (myosin binding protein C3; minus strand). Cytogenetic location: 11p11.2.
Variant type: Deletion.
Identifiers: ClinVar variation 1359238 (VCV001359238.7).

ClinVar aggregate classification (germline): Pathogenic (1 of 4 stars; one submission).

Conditions:
Hypertrophic cardiomyopathy. Also called: HYPERTROPHIC MYOCARDIOPATHY. Identifiers: Orphanet 217569, MedGen C0007194, MeSH D002312, MONDO:0005045, HP:0001639.

Submission:

Labcorp Genetics (formerly Invitae), Labcorp
Classification: Pathogenic for Hypertrophic cardiomyopathy. Last evaluated: 2024-01-10. Review status: criteria provided, single submitter. Criteria: Invitae Variant Classification Sherloc (09022015). Collection method: clinical testing. Allele origin: germline.
Comment: This variant is a gross deletion of the genomic region encompassing exon(s) 27-34 of the MYBPC3 gene, which includes the termination codon. This deletion extends beyond the assayed region for this gene and therefore may encompass additional genes. While this deletion is not anticipated to lead to nonsense mediated decay, it is expected to alter mRNA translation or result in a truncated protein product. A similar copy number variant has been observed in individuals with clinical features of MYBPC3-related conditions (Invitae). This variant disrupts a region of the MYBPC3 protein in which other variant(s) (p.Arg1271*) have been determined to be pathogenic (PMID: 18533079, 19574547, 23396983, 27532257). This suggests that this is a clinically significant region of the protein, and that variants that disrupt it are likely to be disease-causing. For these reasons, this variant has been classified as Pathogenic.

Literature cited by the submitters: PubMed 18533079; PubMed 19574547; PubMed 23396983; PubMed 27532257.